The following is an entry in ClinVar:

NM_004517.4(ILK):c.1112G>A (p.Arg371His)

Genes: ILK (integrin linked kinase; plus strand), TAF10 (TATA-box binding protein associated factor 10; minus strand). Cytogenetic location: 11p15.4.
Variant type: single nucleotide variant.
Coding change: c.1112G>A on transcript NM_004517.4 (MANE Select); coding-DNA position 1112, G replaced by A.
Protein change: p.Arg371His; replaces arginine 371 with histidine.
Molecular consequence: missense variant. On other transcripts: 3 prime UTR variant (1).
Genome position (GRCh38, 1-based): chr11:6,610,181, G>A. VCF-style: chr11-6610181-G-A. GRCh37 (hg19) VCF-style: chr11-6631412-G-A.
Other names: c.1112G>A, p.Arg371His (NM_001014794.3, NM_001014795.3); c.929G>A, p.Arg310His (NM_001278441.2); c.710G>A, p.Arg237His (NM_001278442.2); c.*741C>T (NM_006284.4); c.1112G>A (NM_004517.3); short protein forms R371H, R237H, R310H.
Identifiers: ClinVar variation 429387 (VCV000429387.12), dbSNP rs370480843, ClinGen allele CA5858289.

ClinVar aggregate classification (germline): Uncertain significance. Review status: criteria provided, multiple submitters, no conflicts (2 of 4 stars). 4 submissions from 4 submitters: Uncertain significance (4). Last evaluated 2025-12-22.

Conditions:
ILK-related disorder. Also called: ILK-related condition.
Primary familial hypertrophic cardiomyopathy (HCM). Identifiers: Orphanet 99739, MedGen C0949658, MeSH D024741, MONDO:0024573. Inheritance: Various modes of inheritance.

Allele frequency attached by ClinVar (database versions not stated): gnomAD exomes below 0.00001; ExAC 0.00001; gnomAD 0.00001; ESP Exome Variant Server 0.00008.
gnomAD v4.1: 7 of 1,614,082 alleles (0.00043%); highest among the groups gnomAD compares: East Asian, 0.0022%; no homozygotes.

Submissions (4):

PreventionGenetics, part of Exact Sciences
Classification: Uncertain significance for ILK-related condition. Last evaluated: 2025-12-22. Review status: criteria provided, single submitter. Criteria: ACMG Guidelines, 2015. Collection method: clinical testing. Allele origin: germline.
Comment: The ILK c.1112G>A variant is predicted to result in the amino acid substitution p.Arg371His. To our knowledge, this variant has not been reported in the literature. This variant is reported in 0.0033% of alleles in individuals of South Asian descent in gnomAD. At this time, the clinical significance of this variant is uncertain due to the absence of conclusive functional and genetic evidence.

Ambry Genetics
Classification: Uncertain significance. Last evaluated: 2025-05-03. Review status: criteria provided, single submitter. Criteria: Ambry Variant Classification Scheme 2023. Collection method: clinical testing. Allele origin: germline.
Comment: The p.R371H variant (also known as c.1112G>A), located in coding exon 11 of the ILK gene, results from a G to A substitution at nucleotide position 1112. The arginine at codon 371 is replaced by histidine, an amino acid with highly similar properties. This amino acid position is conserved. In addition, the in silico prediction for this alteration is inconclusive. Based on the available evidence, the clinical significance of this variant remains unclear.

Labcorp Genetics (formerly Invitae), Labcorp
Classification: Uncertain significance for Primary familial hypertrophic cardiomyopathy. Last evaluated: 2021-03-08. Review status: criteria provided, single submitter. Criteria: Invitae Variant Classification Sherloc (09022015). Collection method: clinical testing. Allele origin: germline.
Comment: This sequence change replaces arginine with histidine at codon 371 of the ILK protein (p.Arg371His). The arginine residue is highly conserved and there is a small physicochemical difference between arginine and histidine. This variant is present in population databases (rs370480843, ExAC 0.006%). This variant has not been reported in the literature in individuals with ILK-related conditions. ClinVar contains an entry for this variant (Variation ID: 429387). Algorithms developed to predict the effect of missense changes on protein structure and function (SIFT, PolyPhen-2, Align-GVGD) all suggest that this variant is likely to be disruptive, but these predictions have not been confirmed by published functional studies and their clinical significance is uncertain. In summary, the available evidence is currently insufficient to determine the role of this variant in disease. Therefore, it has been classified as a Variant of Uncertain Significance.

GeneDx
Classification: Uncertain significance. Last evaluated: 2018-02-08. Review status: criteria provided, single submitter. Criteria: GeneDx Variant Classification (06012015). Collection method: clinical testing. Allele origin: germline. Affected: yes.
Comment: A variant of uncertain significance has been identified in the ILK gene. The R371H variant has not been published as pathogenic or been reported as benign to our knowledge. This variant is not observed at a significant frequency in large population cohorts (Lek et al., 2016; 1000 Genomes Consortium et al., 2015; Exome Variant Server). This substitution occurs at a position that is conserved across species and in silico analysis predicts this variant is probably damaging to the protein structure/function. However, the R371H variant is a conservative amino acid substitution, which is not likely to impact secondary protein structure as these residues share similar properties.